The following is an entry in ClinVar:

NM_003907.3(EIF2B5):c.2015A>G (p.Gln672Arg)

Gene: EIF2B5 (eukaryotic translation initiation factor 2B subunit epsilon; plus strand). Cytogenetic location: 3q27.1.
Variant type: single nucleotide variant.
Coding change: c.2015A>G on transcript NM_003907.3 (MANE Select); coding-DNA position 2015, A replaced by G.
Protein change: p.Gln672Arg; replaces glutamine 672 with arginine.
Molecular consequence: missense variant.
Genome position (GRCh38, 1-based): chr3:184,144,616, A>G. VCF-style: chr3-184144616-A-G. GRCh37 (hg19) VCF-style: chr3-183862404-A-G.
Other names: short protein forms Q672R.
Identifiers: ClinVar variation 1447560 (VCV001447560.6), dbSNP rs180808873, ClinGen allele CA2726873.
Genomic context (GRCh38, chr3:184,144,616, plus strand): 5'-TTTCCAAGGCCCCTGAGGTCCCCTTTATTGGCCTTTTGCAGGTACTGATGGCTTTCTACC[A>G]GCTGGAGATCCTGGCTGAGGAAACAATTCTGAGCTGGTTCAGCCAAAGAGATACAACTGA-3'
Protein context (NP_003898.2, residues 662-682): SMAKVLMAFY[Gln672Arg]LEILAEETIL

ClinVar aggregate classification (germline): Uncertain significance (1 of 4 stars; one submission).

Allele frequency attached by ClinVar (database versions not stated): gnomAD exomes below 0.00001 and 0.00001; ExAC 0.00001; gnomAD 0.00001; 1000 Genomes Project 30x 0.00016; 1000 Genomes Project 0.00020.
gnomAD v4.1: 3 of 1,614,160 alleles (0.00019%); highest among the groups gnomAD compares: East Asian, 0.0045%; no homozygotes.

Submission:

Labcorp Genetics (formerly Invitae), Labcorp
Classification: Uncertain significance. Last evaluated: 2025-05-27. Review status: criteria provided, single submitter. Criteria: Invitae Variant Classification Sherloc (09022015). Collection method: clinical testing. Allele origin: germline.
Comment: This sequence change replaces glutamine, which is neutral and polar, with arginine, which is basic and polar, at codon 672 of the EIF2B5 protein (p.Gln672Arg). This variant is present in population databases (rs180808873, gnomAD 0.006%). This variant has not been reported in the literature in individuals affected with EIF2B5-related conditions. ClinVar contains an entry for this variant (Variation ID: 1447560). Invitae Evidence Modeling of protein sequence and biophysical properties (such as structural, functional, and spatial information, amino acid conservation, physicochemical variation, residue mobility, and thermodynamic stability) indicates that this missense variant is expected to disrupt EIF2B5 protein function with a positive predictive value of 80%. In summary, the available evidence is currently insufficient to determine the role of this variant in disease. Therefore, it has been classified as a Variant of Uncertain Significance.